The following is an entry in ClinVar:

NM_001184.4(ATR):c.5788G>A (p.Val1930Ile)

Gene: ATR (ATR checkpoint kinase; minus strand). Cytogenetic location: 3q23.
Variant type: single nucleotide variant.
Coding change: c.5788G>A on transcript NM_001184.4 (MANE Select); coding-DNA position 5788, G replaced by A.
Protein change: p.Val1930Ile; replaces valine 1930 with isoleucine.
Molecular consequence: missense variant.
Genome position (GRCh38, 1-based): chr3:142,496,471, C>T on the plus strand (G>A on the coding strand, the complement: ATR is on the minus strand). VCF-style: chr3-142496471-C-T. GRCh37 (hg19) VCF-style: chr3-142215313-C-T.
Other names: c.5596G>A, p.Val1866Ile (NM_001354579.2); short protein forms V1930I, V1866I.
Identifiers: ClinVar variation 2587597 (VCV002587597.2), dbSNP rs2473155112, ClinGen allele CA354813781.

ClinVar aggregate classification (germline): Uncertain significance (1 of 4 stars; one submission).

Conditions:
Inborn genetic diseases. Identifiers: MedGen C0950123, MeSH D030342.

Submission:

Ambry Genetics
Classification: Uncertain significance for Inborn genetic diseases. Last evaluated: 2023-09-14. Review status: criteria provided, single submitter. Criteria: Ambry Variant Classification Scheme 2023. Collection method: clinical testing. Allele origin: germline.
Comment: The p.V1930I variant (also known as c.5788G>A), located in coding exon 34 of the ATR gene, results from a G to A substitution at nucleotide position 5788. The valine at codon 1930 is replaced by isoleucine, an amino acid with highly similar properties. This amino acid position is conserved. In addition, this alteration is predicted to be tolerated by in silico analysis. Since supporting evidence is limited at this time, the clinical significance of this alteration remains unclear.